The following is an entry in ClinVar:

NM_001365480.1(CCDC88A):c.2609C>T (p.Ser870Phe)

Gene: CCDC88A (coiled-coil and HOOK domain protein 88A; minus strand). Cytogenetic location: 2p16.1.
Variant type: single nucleotide variant.
Coding change: c.2609C>T on transcript NM_001365480.1 (MANE Select); coding-DNA position 2609, C replaced by T.
Protein change: p.Ser870Phe; replaces serine 870 with phenylalanine.
Molecular consequence: missense variant.
Genome position (GRCh38, 1-based): chr2:55,334,212, G>A on the plus strand (C>T on the coding strand, the complement: CCDC88A is on the minus strand). VCF-style: chr2-55334212-G-A. GRCh37 (hg19) VCF-style: chr2-55561348-G-A.
Other names: c.2609C>T, p.Ser870Phe (NM_001135597.2, NM_001254943.2, NM_018084.5); c.2609C>T (NM_001135597.1); short protein forms S870F.
Identifiers: ClinVar variation 1416295 (VCV001416295.7), dbSNP rs758300445, ClinGen allele CA346897683.

ClinVar aggregate classification (germline): Conflicting classifications of pathogenicity. Review status: criteria provided, conflicting classifications (1 of 4 stars). 2 submissions from 2 submitters: Uncertain significance (1); Likely benign (1). Last evaluated 2023-04-19.

gnomAD v4.1: 2 of 1,442,516 alleles (0.00014%); highest among the groups gnomAD compares: Non-Finnish European, 0.00018%; no homozygotes.

Submissions (2):

Ambry Genetics
Classification: Likely benign. Last evaluated: 2023-04-19. Review status: criteria provided, single submitter. Criteria: Ambry Variant Classification Scheme 2023. Collection method: clinical testing. Allele origin: germline.

Labcorp Genetics (formerly Invitae), Labcorp
Classification: Uncertain significance. Last evaluated: 2022-09-01. Review status: criteria provided, single submitter. Criteria: Invitae Variant Classification Sherloc (09022015). Collection method: clinical testing. Allele origin: germline.
Comment: In summary, the available evidence is currently insufficient to determine the role of this variant in disease. Therefore, it has been classified as a Variant of Uncertain Significance. Algorithms developed to predict the effect of missense changes on protein structure and function output the following: SIFT: "Tolerated"; PolyPhen-2: "Benign"; Align-GVGD: "Class C0". The phenylalanine amino acid residue is found in multiple mammalian species, which suggests that this missense change does not adversely affect protein function. ClinVar contains an entry for this variant (Variation ID: 1416295). This variant has not been reported in the literature in individuals affected with CCDC88A-related conditions. This variant is not present in population databases (gnomAD no frequency). This sequence change replaces serine, which is neutral and polar, with phenylalanine, which is neutral and non-polar, at codon 870 of the CCDC88A protein (p.Ser870Phe).